The following is an entry in ClinVar:

NM_002439.5(MSH3):c.2351T>A (p.Phe784Tyr)

Gene: MSH3 (mutS homolog 3; plus strand). Cytogenetic location: 5q14.1.
Variant type: single nucleotide variant.
Coding change: c.2351T>A on transcript NM_002439.5 (MANE Select); coding-DNA position 2351, T replaced by A.
Protein change: p.Phe784Tyr; replaces phenylalanine 784 with tyrosine.
Molecular consequence: missense variant.
Genome position (GRCh38, 1-based): chr5:80,778,752, T>A. VCF-style: chr5-80778752-T-A. GRCh37 (hg19) VCF-style: chr5-80074571-T-A.
Other names: short protein forms F784Y.
Identifiers: ClinVar variation 2451069 (VCV002451069.4), dbSNP rs777977568, ClinGen allele CA3328230.
Genomic context (GRCh38, chr5:80,778,752, plus strand): 5'-CCTATTTGTGTTCTTTCCCCTCTTCTAGCACAAAAGCTGTGAGCCGCTTTCACTCTCCTT[T>A]TATTGTAGAAAATTACAGACATCTGAATCAGCTCCGGGAGCAGCTAGTCCTTGACTGCAG-3'
Protein context (NP_002430.3, residues 774-794): TKAVSRFHSP[Phe784Tyr]IVENYRHLNQ

ClinVar aggregate classification (germline): Uncertain significance. Review status: criteria provided, multiple submitters, no conflicts (2 of 4 stars). 2 submissions from 2 submitters: Uncertain significance (2). Last evaluated 2024-03-27.

Conditions:
Hereditary cancer-predisposing syndrome. Also called: Neoplastic Syndromes, Hereditary; Tumor predisposition; Hereditary neoplastic syndrome; Hereditary Cancer Syndrome. Identifiers: Orphanet 140162, MedGen C0027672, MeSH D009386, MONDO:0015356.

Allele frequency attached by ClinVar (database versions not stated): ExAC 0.00001.
gnomAD v4.1: 1 of 1,612,726 alleles (0.000062%); no homozygotes.

Submissions (2):

Labcorp Genetics (formerly Invitae), Labcorp
Classification: Uncertain significance. Last evaluated: 2024-03-27. Review status: criteria provided, single submitter. Criteria: Invitae Variant Classification Sherloc (09022015). Collection method: clinical testing. Allele origin: germline.
Comment: This sequence change replaces phenylalanine, which is neutral and non-polar, with tyrosine, which is neutral and polar, at codon 784 of the MSH3 protein (p.Phe784Tyr). This variant is present in population databases (rs777977568, gnomAD 0.0009%). This variant has not been reported in the literature in individuals affected with MSH3-related conditions. ClinVar contains an entry for this variant (Variation ID: 2451069). An algorithm developed to predict the effect of missense changes on protein structure and function (PolyPhen-2) suggests that this variant is likely to be disruptive. In summary, the available evidence is currently insufficient to determine the role of this variant in disease. Therefore, it has been classified as a Variant of Uncertain Significance.

Ambry Genetics
Classification: Uncertain significance for Hereditary cancer-predisposing syndrome. Last evaluated: 2023-01-18. Review status: criteria provided, single submitter. Criteria: Ambry Variant Classification Scheme 2023. Collection method: clinical testing. Allele origin: germline.
Comment: The p.F784Y variant (also known as c.2351T>A), located in coding exon 17 of the MSH3 gene, results from a T to A substitution at nucleotide position 2351. The phenylalanine at codon 784 is replaced by tyrosine, an amino acid with highly similar properties. This amino acid position is conserved. In addition, the in silico prediction for this alteration is inconclusive. Since supporting evidence is limited at this time, the clinical significance of this alteration remains unclear.